The following is an entry in ClinVar:

NM_000377.3(WAS):c.388G>A (p.Asp130Asn)

Gene: WAS (WASP actin nucleation promoting factor; plus strand). Cytogenetic location: Xp11.23.
Variant type: single nucleotide variant.
Coding change: c.388G>A on transcript NM_000377.3 (MANE Select); coding-DNA position 388, G replaced by A.
Protein change: p.Asp130Asn; replaces aspartic acid 130 with asparagine.
Molecular consequence: missense variant.
Genome position (GRCh38, 1-based): chrX:48,685,761, G>A. VCF-style: chrX-48685761-G-A. GRCh37 (hg19) VCF-style: chrX-48544150-G-A.
Other names: c.388G>A (NM_000377.2); short protein forms D130N.
Identifiers: ClinVar variation 1384122 (VCV001384122.7), dbSNP rs1557006548, ClinGen allele CA412867522.
Genomic context (GRCh38, chrX:48,685,761, plus strand): 5'-CCTGGGAGGCGGCTGACCCCAAGGTATGTGCAGGACTGCCAAGCGGGGCTGAACTTTGCA[G>A]ACGAGGACGAGGCCCAGGCCTTCCGGGCCCTCGTGCAGGAGAAGATACAAAAAAGGAATC-3'
Protein context (NP_000368.1, residues 120-140): DDCQAGLNFA[Asp130Asn]EDEAQAFRAL

ClinVar aggregate classification (germline): Uncertain significance. Review status: criteria provided, multiple submitters, no conflicts (2 of 4 stars). 2 submissions from 2 submitters: Uncertain significance (2). Last evaluated 2025-04-24.

Conditions:
WAS-related disorder. Also called: WAS-related condition; WAS-Related Disorders. Identifiers: MedGen CN381538.
Thrombocytopenia 1. Also called: X-Linked Thrombocytopenia (XLT); THROMBOCYTOPENIA, X-LINKED, 1; X-linked thrombocytopenia with normal platelets. Identifiers: Orphanet 268322, Orphanet 852, MedGen C1839163, MONDO:0010743, OMIM 313900.
Wiskott-Aldrich syndrome (WAS). Also called: WISKOTT-ALDRICH SYNDROME 1; ALDRICH SYNDROME; IMMUNODEFICIENCY 2; Wiskott-aldrich syndrome, somatic. Identifiers: Orphanet 906, MedGen C0043194, MONDO:0010518, OMIM 301000.
X-linked severe congenital neutropenia (SCNX). Identifiers: Orphanet 86788, MedGen C1845987, MONDO:0010294, OMIM 300299.

Submissions (2):

PreventionGenetics, part of Exact Sciences
Classification: Uncertain significance for WAS-related condition. Last evaluated: 2025-04-24. Review status: criteria provided, single submitter. Criteria: ACMG Guidelines, 2015. Collection method: clinical testing. Allele origin: germline.
Comment: The WAS c.388G>A variant is predicted to result in the amino acid substitution p.Asp130Asn. To our knowledge, this variant has not been reported in the literature. This variant is reported in 0.0069% of alleles in individuals of African descent in gnomAD. At this time, the clinical significance of this variant is uncertain due to the absence of conclusive functional and genetic evidence.

Labcorp Genetics (formerly Invitae), Labcorp
Classification: Uncertain significance for Wiskott-Aldrich syndrome; X-linked severe congenital neutropenia; Thrombocytopenia 1. Last evaluated: 2023-09-20. Review status: criteria provided, single submitter. Criteria: Invitae Variant Classification Sherloc (09022015). Collection method: clinical testing. Allele origin: germline.
Comment: In summary, the available evidence is currently insufficient to determine the role of this variant in disease. Therefore, it has been classified as a Variant of Uncertain Significance. Algorithms developed to predict the effect of sequence changes on RNA splicing suggest that this variant may disrupt the consensus splice site. Advanced modeling of protein sequence and biophysical properties (such as structural, functional, and spatial information, amino acid conservation, physicochemical variation, residue mobility, and thermodynamic stability) has been performed at Invitae for this missense variant, however the output from this modeling did not meet the statistical confidence thresholds required to predict the impact of this variant on WAS protein function. ClinVar contains an entry for this variant (Variation ID: 1384122). This variant has not been reported in the literature in individuals affected with WAS-related conditions. This variant is present in population databases (no rsID available, gnomAD 0.007%). This sequence change replaces aspartic acid, which is acidic and polar, with asparagine, which is neutral and polar, at codon 130 of the WAS protein (p.Asp130Asn).